The following is an entry in ClinVar:

NM_004725.4(BUB3):c.979T>C (p.Cys327Arg)

Gene: BUB3 (BUB3 mitotic checkpoint protein; plus strand). Cytogenetic location: 10q26.13.
Variant type: single nucleotide variant.
Coding change: c.979T>C on transcript NM_004725.4 (MANE Select); coding-DNA position 979, T replaced by C.
Protein change: p.Cys327Arg; replaces cysteine 327 with arginine.
Molecular consequence: missense variant. On other transcripts: intron variant (1).
Genome position (GRCh38, 1-based): chr10:123,163,827, T>C. VCF-style: chr10-123163827-T-C. GRCh37 (hg19) VCF-style: chr10-124923343-T-C.
Other names: c.971+999T>C (NM_001007793.3); short protein forms C327R.
Identifiers: ClinVar variation 2448135 (VCV002448135.2), dbSNP rs775015692, ClinGen allele CA378627353.
Genomic context (GRCh38, chr10:123,163,827, plus strand): 5'-CCTGGCTGGCCATTTTGATCTCATGCTGTTCTTTTTTTCTTTTGAACTTGTAGGTCACCA[T>C]GTACTTGACAAGATTTCATTTACTTAAGTGCCATGTTGATGATAATAAAACAATTCGTAC-3'
Protein context (NP_004716.1, residues 317-328): TDAETKPKSP[Cys327Arg]T

ClinVar aggregate classification (germline): Uncertain significance (1 of 4 stars; one submission).

gnomAD v4.1: 1 of 1,608,780 alleles (0.000062%); highest among the groups gnomAD compares: Non-Finnish European, 0.000085%; no homozygotes.

Submission:

Ambry Genetics
Classification: Uncertain significance. Last evaluated: 2022-12-05. Review status: criteria provided, single submitter. Criteria: Ambry Variant Classification Scheme 2023. Collection method: clinical testing. Allele origin: germline.
Comment: The p.C327R variant (also known as c.979T>C), located in coding exon 7 of the BUB3 gene, results from a T to C substitution at nucleotide position 979. The cysteine at codon 327 is replaced by arginine, an amino acid with highly dissimilar properties. This amino acid position is conserved. In addition, this alteration is predicted to be tolerated by in silico analysis. Since supporting evidence is limited at this time, the clinical significance of this alteration remains unclear.